The following is an entry in ClinVar:

ClinVar aggregate classification (germline): Pathogenic (0 of 4 stars; one submission).

Conditions:
Hereditary spastic paraplegia 11. Also called: SPASTIC PARAPLEGIA, AUTOSOMAL RECESSIVE, COMPLICATED, WITH THIN CORPUS CALLOSUM; SPASTIC PARAPLEGIA, AUTOSOMAL RECESSIVE, WITH MENTAL IMPAIRMENT AND THIN CORPUS CALLOSUM; Spastic paraplegia, mental retardation and thin corpus callosum; Spastic Paraplegia 11; Nakamura Osame syndrome; Autosomal recessive hereditary spastic paraplegia, mental impairment, and thin corpus callosum. Identifiers: Orphanet 2822, MedGen C1858479, MONDO:0011445, OMIM 604360.

Submission:

GeneReviews
Classification: Pathogenic for Spastic Paraplegia 11. Last evaluated: 2013-01-31. Review status: no assertion criteria provided. Collection method: curation. Allele origin: unknown.
ClinVar note: Converted during submission from pathologic to Pathogenic.

NM_025137.3:c.5987_5990dupCTCT

Gene: SPG11 (SPG11 vesicle trafficking associated, spatacsin; minus strand). Cytogenetic location: 15q21.1.
Variant type: Duplication.
Identifiers: ClinVar variation 41337 (VCV000041337.2).